The following is an entry in ClinVar:

ClinVar aggregate classification (germline): Pathogenic. Review status: reviewed by expert panel (3 of 4 stars). 4 submissions from 4 submitters: Pathogenic (1). 3 of the submissions do not count toward it. Last evaluated 2026-05-26.

Conditions:
ABCA4-related disorder. Also called: ABCA4-related disorders; ABCA4-related condition. Identifiers: MedGen CN239167.
Severe early-childhood-onset retinal dystrophy (STGD1). Also called: STGD; Stargardt macular dystrophy; Juvenile onset macular degeneration; Stargardt disease 1; MACULAR DYSTROPHY WITH FLECKS, TYPE 1. Identifiers: Orphanet 364055, Orphanet 827, MedGen C1855465, MeSH D000080362, MONDO:0009549, OMIM 248200.
ABCA4-related retinopathy. Also called: ABCA4-related retinoapthy; ABCA4 retinoapthy. Identifiers: MedGen CN322612, MONDO:0800406.

Allele frequency attached by ClinVar (database versions not stated): gnomAD exomes 0.00003 and 0.00002; ExAC 0.00005; gnomAD 0.00001.
gnomAD v4.1: 18 of 1,604,936 alleles (0.0011%); highest among the groups gnomAD compares: Non-Finnish European, 0.0014%; no homozygotes.

Submissions (4):

ClinGen ABCA4 Variant Curation Expert Panel, Clingen
Classification: Pathogenic for ABCA4-related retinopathy. Last evaluated: 2026-05-26. Review status: reviewed by expert panel. Criteria: ClinGen ABCA4 ACMG Specifications V1.0.0. Collection method: curation. Allele origin: germline. Inheritance: Autosomal recessive inheritance.
Comment: The c.3523-1G>A variant in ABCA4 affects a canonical acceptor splice site in intron 23 and is expected to disrupt splicing and reading frame via exon skipping or use of a cryptic splice site and is predicted to lead to nonsense-mediated decay (PVS1). The total minor allele frequency in gnomAD v4.1.0 is 0.00001122 (18/1604936 alleles), which is lower than the ClinGen ABCA4 VCEP’s threshold for PM2_Supporting (<0.0001). This variant has been detected in at least three individuals with ABCA4-related retinopathy, one of whom was compound heterozygous for the variant and a pathogenic variant, phase unconfirmed, and two individuals who were compound heterozygous for the variant and a variant of uncertain significance, phase confirmed via segregation analysis (PM3; PMIDs: 28365912, 33546218, 39643591). In summary, this variant meets the criteria to be classified as pathogenic for ABCA4-related retinopathy based on the ACMG/AMP criteria applied, as specified by the ClinGen ABCA4 VCEP (Specification Version 1.0.0): PVS1, PM3, PM2_Supporting.

Labcorp Genetics (formerly Invitae), Labcorp
Classification: Pathogenic. Last evaluated: 2025-08-12. Review status: criteria provided, single submitter. Criteria: Invitae Variant Classification Sherloc (09022015). Collection method: clinical testing. Allele origin: germline. Not counted in ClinVar's aggregate classification.
Comment: This sequence change affects an acceptor splice site in intron 23 of the ABCA4 gene. It is expected to disrupt RNA splicing. Variants that disrupt the donor or acceptor splice site typically lead to a loss of protein function (PMID: 16199547), and loss-of-function variants in ABCA4 are known to be pathogenic (PMID: 10958761, 24938718, 25312043, 26780318). This variant is present in population databases (rs766239144, gnomAD 0.003%). Disruption of this splice site has been observed in individuals with clinical features of ABCA4-related conditions (PMID: 21911583; internal data). ClinVar contains an entry for this variant (Variation ID: 1048143). Algorithms developed to predict the effect of sequence changes on RNA splicing suggest that this variant may disrupt the consensus splice site. For these reasons, this variant has been classified as Pathogenic.

Blueprint Genetics
Classification: Pathogenic for ABCA4-related disorders. Last evaluated: 2024-06-07. Review status: criteria provided, single submitter. Criteria: ACMG Guidelines, 2015. Collection method: clinical testing. Allele origin: germline. Affected: yes. Observed: 5 variant alleles. Not counted in ClinVar's aggregate classification.

Institute of Medical Molecular Genetics, University of Zurich
Classification: Likely pathogenic for Severe early-childhood-onset retinal dystrophy. Last evaluated: 2021-01-30. Review status: criteria provided, single submitter. Criteria: ACMG Guidelines, 2015. Collection method: clinical testing. Allele origin: germline. Affected: yes. Not counted in ClinVar's aggregate classification.

Literature cited by the submitters: PubMed 16199547 (cited by Labcorp Genetics (formerly Invitae), Labcorp); PubMed 10958761 (cited by Labcorp Genetics (formerly Invitae), Labcorp); PubMed 24938718 (cited by Labcorp Genetics (formerly Invitae), Labcorp); PubMed 25312043 (cited by Labcorp Genetics (formerly Invitae), Labcorp); PubMed 26780318 (cited by Labcorp Genetics (formerly Invitae), Labcorp); PubMed 21911583 (cited by Labcorp Genetics (formerly Invitae), Labcorp).

NM_000350.3(ABCA4):c.3523-1G>A

Gene: ABCA4 (ATP binding cassette subfamily A member 4; minus strand). Cytogenetic location: 1p22.1.
Variant type: single nucleotide variant.
Coding change: c.3523-1G>A on transcript NM_000350.3 (MANE Select); the canonical splice acceptor site of the intron before coding-DNA position 3523, G replaced by A.
Molecular consequence: splice acceptor variant.
Genome position (GRCh38, 1-based): chr1:94,040,128, C>T on the plus strand (G>A on the coding strand, the complement: ABCA4 is on the minus strand). VCF-style: chr1-94040128-C-T. GRCh37 (hg19) VCF-style: chr1-94505684-C-T.
Identifiers: ClinVar variation 1048143 (VCV001048143.4), dbSNP rs766239144, ClinGen allele CA957902.